The following is an entry in ClinVar:

NM_001379210.1(SLC25A26):c.33+64=

Gene: SLC25A26 (solute carrier family 25 member 26; plus strand). Cytogenetic location: 3p14.1.
Variant type: single nucleotide variant.
Coding change: c.33+64= on transcript NM_001379210.1 (MANE Select); 64 bases into the intron after coding-DNA position 33, no change from the reference sequence.
Molecular consequence: intron variant.
Genome position: GRCh38 VCF-style: chr3-66221191-C-C. GRCh37 (hg19) VCF-style: chr3-66271617-G-C.
Other names: c.33+64= (NM_173471.4); c.-319+64= (NM_001350993.1); c.-75+64= (NM_001164796.1).
Identifiers: ClinVar variation 671577 (VCV000671577.2), dbSNP rs1553658224.

ClinVar aggregate classification (germline): Benign. Review status: criteria provided, multiple submitters, no conflicts (2 of 4 stars). 2 submissions from 2 submitters: Benign (2). Last evaluated 2018-06-14.

Allele frequency attached by ClinVar (database versions not stated): gnomAD 0.11386 and 0.11480; TOPMed 0.11984; 1000 Genomes Project 30x 0.13351; gnomAD exomes 1.00000.

Submissions (2):

GeneDx
Classification: Benign. Last evaluated: 2018-06-14. Review status: criteria provided, single submitter. Criteria: GeneDx Variant Classification (06012015). Collection method: clinical testing. Allele origin: germline. Affected: yes.
Comment: This variant is considered likely benign or benign based on one or more of the following criteria: it is a conservative change, it occurs at a poorly conserved position in the protein, it is predicted to be benign by multiple in silico algorithms, and/or has population frequency not consistent with disease.

Breakthrough Genomics
Classification: Benign. Review status: criteria provided, single submitter. Criteria: ACMG Guidelines, 2015. Collection method: not provided. Allele origin: germline. Inheritance: Autosomal recessive inheritance. Affected: yes.